The following is an entry in ClinVar:

ClinVar aggregate classification (germline): Pathogenic (1 of 4 stars; one submission).

Submission:

CeGaT Center for Human Genetics Tuebingen
Classification: Pathogenic. Last evaluated: 2023-10-01. Review status: criteria provided, single submitter. Criteria: CeGaT Center For Human Genetics Tuebingen Variant Classification Criteria Version 2. Collection method: clinical testing. Allele origin: germline. Affected: yes. Observed: 1 variant allele.
Comment: KAT6A: PVS1, PS2, PM2

NM_006766.5(KAT6A):c.1302_1303del (p.Glu435fs)

Gene: KAT6A (lysine acetyltransferase 6A; minus strand). Cytogenetic location: 8p11.21.
Variant type: Deletion.
Coding change: c.1302_1303del on transcript NM_006766.5 (MANE Select); coding-DNA positions 1302 to 1303, 2 bases deleted (TG; older notation c.1302_1303delTG).
Protein change: p.Glu435fs; shifts the reading frame from glutamic acid 435.
Molecular consequence: frameshift variant.
Genome position (GRCh38, 1-based): chr8:41,977,068-41,977,069, CA deleted on the plus strand (TG on the coding strand, the reverse complement: KAT6A is on the minus strand). VCF-style (leftmost placement, unchanged base first): chr8-41977067-TCA-T. GRCh37 (hg19) VCF-style: chr8-41834585-TCA-T.
Other names: c.1302_1303del, p.Glu435fs (NM_001305878.2); short protein forms E435fs.
Identifiers: ClinVar variation 2658577 (VCV002658577.24), dbSNP rs2486806675, ClinGen allele CA2695199726.